The following is an entry in ClinVar:

NM_000443.4(ABCB4):c.2144C>T (p.Thr715Ile)

Gene: ABCB4 (ATP binding cassette subfamily B member 4; minus strand). Cytogenetic location: 7q21.12.
Variant type: single nucleotide variant.
Coding change: c.2144C>T on transcript NM_000443.4 (MANE Select); coding-DNA position 2144, C replaced by T.
Protein change: p.Thr715Ile; replaces threonine 715 with isoleucine.
Molecular consequence: missense variant.
Genome position (GRCh38, 1-based): chr7:87,423,973, G>A on the plus strand (C>T on the coding strand, the complement: ABCB4 is on the minus strand). VCF-style: chr7-87423973-G-A. GRCh37 (hg19) VCF-style: chr7-87053289-G-A.
Other names: c.2144C>T, p.Thr715Ile (NM_018849.3, NM_018850.3); short protein forms T715I.
Identifiers: ClinVar variation 381720 (VCV000381720.22), dbSNP rs138773456, ClinGen allele CA4327112.

ClinVar aggregate classification (germline): Conflicting classifications of pathogenicity. Review status: criteria provided, conflicting classifications (1 of 4 stars). 10 submissions from 9 submitters: Uncertain significance (9); Likely benign (1). Last evaluated 2026-04-14.

Conditions:
Familial intrahepatic cholestasis. Identifiers: Orphanet 284385, MedGen CN296401, MONDO:0017290.
Low phospholipid associated cholelithiasis (GBD1). Also called: Gallstone cholecystitis; Gallbladder disease 1. Identifiers: Orphanet 69663, MedGen C2609268, MONDO:0010939, OMIM 600803.
ABCB4-related disorder. Also called: ABCB4-related disorders; ABCB4-related condition.
Cholestasis, intrahepatic, of pregnancy, 3. Identifiers: Orphanet 69665, MedGen C3554241, MONDO:0013995, OMIM 614972.
Progressive familial intrahepatic cholestasis type 3. Also called: MDR3 DEFICIENCY; Low Gamma-GT Familial Intrahepatic Cholestasis. Identifiers: Orphanet 79305, MedGen C1865643, MONDO:0011214, OMIM 602347.
Progressive familial intrahepatic cholestasis type 1. Also called: BYLER DISEASE; Severe ATP8B1 Deficiency (Progressive Familial Intrahepatic Cholestasis Type 1 [PFIC1]); Byler's disease. Identifiers: Orphanet 79306, MedGen C4551898, MONDO:0008892, OMIM 211600.

Allele frequency attached by ClinVar (database versions not stated): ExAC 0.00056; gnomAD exomes 0.00059; gnomAD 0.00073 and 0.00074; 1000 Genomes Project 0.00020; 1000 Genomes Project 30x 0.00031; TOPMed 0.00074; ESP Exome Variant Server 0.00077.
gnomAD v4.1: 1,059 of 1,614,060 alleles (0.066%); highest among the groups gnomAD compares: Admixed American, 0.14%; 2 homozygotes.

Submissions (10):

Genomenon, Inc
Classification: Uncertain significance for Familial intrahepatic cholestasis; Low phospholipid associated cholelithiasis. Last evaluated: 2026-04-14. Review status: criteria provided, single submitter. Criteria: Genomenon Sequence Variant Interpretation Standards - Updated. Collection method: curation. Allele origin: germline. Affected: yes.
Comment: ABCB4 p.Thr715Ile (c.2144C>T) is a missense variant that changes the amino acid at residue 715 from Threonine to Isoleucine. This variant has been observed in at least one proband with an ABCB4-related disorder (PMID:40769470;35626323;27825922;21119540). Functional studies have been reported (PMID:27256251). In conclusion, we classify ABCB4 p.Thr715Ile (c.2144C>T) as a variant of uncertain significance.

PreventionGenetics, part of Exact Sciences
Classification: Uncertain significance for ABCB4-related condition. Last evaluated: 2026-03-10. Review status: criteria provided, single submitter. Criteria: ACMG Guidelines, 2015. Collection method: clinical testing. Allele origin: germline.
Comment: The ABCB4 c.2144C>T variant is predicted to result in the amino acid substitution p.Thr715Ile. This variant has been reported in an individual with familial progressive intrahepatic cholestasis (Degiorgio et al. 2007. PubMed ID: 17726488). An in vitro functional study suggests this variant does not significantly impact protein transport activity (Park et al. 2016. PubMed ID: 27256251). This variant is reported in 0.092% of alleles in individuals of European (Non-Finnish) descent in gnomAD. In ClinVar, this variant is interpreted as a variant of uncertain significance (Variation ID: 381720). At this time, the clinical significance of this variant is uncertain due to the absence of conclusive functional and genetic evidence.

Labcorp Genetics (formerly Invitae), Labcorp
Classification: Uncertain significance. Last evaluated: 2025-01-01. Review status: criteria provided, single submitter. Criteria: Invitae Variant Classification Sherloc (09022015). Collection method: clinical testing. Allele origin: germline.
Comment: This sequence change replaces threonine, which is neutral and polar, with isoleucine, which is neutral and non-polar, at codon 715 of the ABCB4 protein (p.Thr715Ile). This variant is present in population databases (rs138773456, gnomAD 0.09%), and has an allele count higher than expected for a pathogenic variant. This missense change has been observed in individual(s) with familial intrahepatic cholestasis (PMID: 17726488). ClinVar contains an entry for this variant (Variation ID: 381720). Invitae Evidence Modeling of protein sequence and biophysical properties (such as structural, functional, and spatial information, amino acid conservation, physicochemical variation, residue mobility, and thermodynamic stability) indicates that this missense variant is not expected to disrupt ABCB4 protein function with a negative predictive value of 80%. Experimental studies are conflicting or provide insufficient evidence to determine the effect of this variant on ABCB4 function (PMID: 27256251). In summary, the available evidence is currently insufficient to determine the role of this variant in disease. Therefore, it has been classified as a Variant of Uncertain Significance.

Blueprint Genetics
Classification: Likely benign. Last evaluated: 2024-11-18. Review status: criteria provided, single submitter. Criteria: ACMG Guidelines, 2015. Collection method: clinical testing. Allele origin: germline.

Department of Pathology and Laboratory Medicine, Sinai Health System
Classification: Uncertain significance for progressive familial intrahepatic cholestasis type 3. Last evaluated: 2023-08-25. Review status: criteria provided, single submitter. Criteria: ACMG Guidelines, 2015. Collection method: research. Allele origin: germline.

Mendelics
Classification: Uncertain significance for Progressive familial intrahepatic cholestasis type 1. Last evaluated: 2023-04-21. Review status: criteria provided, single submitter. Criteria: Mendelics Assertion Criteria 2017. Collection method: clinical testing. Allele origin: unknown.

GeneDx
Classification: Uncertain significance. Last evaluated: 2018-07-05. Review status: criteria provided, single submitter. Criteria: GeneDx Variant Classification (06012015). Collection method: clinical testing. Allele origin: germline. Affected: yes.
Comment: The T715I variant in the ABCB4 gene has been reported previously in progressive familialintrahepatic cholestasis type 3, in an affected individual who was heterozyous for the T715I variantand no second variant was identified (Degiorgio et al., 2007). Degiorgio et al. (2007) concluded thatthe effect of the T715I variant on the ABCB4 gene is not clear and further characterization of thisvariant is required. Although not present in the homozygous state, the NHLBI Exome SequencingProject reports T715I was observed in 10/8600 (0.12%) alleles from individuals of EuropeanAmerican background, indicating it may be a rare variant in this population. The T715I variant is anon-conservative amino acid substitution, which is likely to impact secondary protein structure asthese residues differ in polarity, charge, size and/or other properties. This substitution occurs at aposition that is not conserved. In silico analysis is inconsistent in its predictions as to whether or notthe variant is damaging to the protein structure/function. A missense variant in a nearby residue(F711S) has been reported in the Human Gene Mutation Database in association with progressivefamilial intrahepatic cholestasis (Stenson et al., 2014), supporting the functional importance of thisregion of the protein. We interpret T715I as a variant of uncertain significance.

Eurofins Ntd Llc (ga)
Classification: Uncertain significance. Last evaluated: 2018-06-01. Review status: criteria provided, single submitter. Criteria: EGL ClinVar v180209 classification definitions. Collection method: clinical testing. Allele origin: germline. Observed: 7 variant alleles, 7 heterozygotes.

Illumina Laboratory Services, Illumina
Classification: Uncertain significance for Cholestasis, intrahepatic, of pregnancy, 3. Last evaluated: 2017-04-27. Review status: criteria provided, single submitter. Criteria: ICSL Variant Classification Criteria 13 December 2019. Collection method: clinical testing. Allele origin: germline.
Comment: This variant was observed as part of a predisposition screen in an ostensibly healthy population. A literature search was performed for the gene, cDNA change, and amino acid change (where applicable). Publications were found based on this search. However, the evidence from the literature, in combination with allele frequency data from public databases where available, was not sufficient to rule this variant in or out of causing disease. Therefore, this variant is classified as a variant of unknown significance.

Illumina Laboratory Services, Illumina
Classification: Uncertain significance for Progressive familial intrahepatic cholestasis type 3. Last evaluated: 2017-04-27. Review status: criteria provided, single submitter. Criteria: ICSL Variant Classification Criteria 13 December 2019. Collection method: clinical testing. Allele origin: germline.

Literature cited by the submitters: PubMed 40769470 (cited by Genomenon, Inc); PubMed 35626323 (cited by Genomenon, Inc); PubMed 27825922 (cited by Genomenon, Inc); PubMed 21119540 (cited by Genomenon, Inc); PubMed 27256251 (cited by Genomenon, Inc and Labcorp Genetics (formerly Invitae), Labcorp); PubMed 17726488 (cited by Labcorp Genetics (formerly Invitae), Labcorp and Illumina Laboratory Services, Illumina).